The following is an entry in ClinVar:

ClinVar aggregate classification (germline): Uncertain significance. Review status: criteria provided, multiple submitters, no conflicts (2 of 4 stars). 2 submissions from 2 submitters: Uncertain significance (2). Last evaluated 2025-06-29.

Conditions:
Catecholaminergic polymorphic ventricular tachycardia 1. Also called: VENTRICULAR TACHYCARDIA, STRESS-INDUCED POLYMORPHIC 1; VENTRICULAR TACHYCARDIA, CATECHOLAMINERGIC POLYMORPHIC, 1, WITH OR WITHOUT ATRIAL DYSFUNCTION AND/OR DILATED CARDIOMYOPATHY; RYR2-Related Catecholaminergic Polymorphic Ventricular Tachycardia. Identifiers: Orphanet 3286, MedGen C1631597, MONDO:0011484, OMIM 604772.
Cardiomyopathy (CMYO). Also called: Cardiomyopathies. Identifiers: Orphanet 167848, MedGen C0878544, MONDO:0004994, HP:0001638. Inheritance: Various modes of inheritance.

Allele frequency attached by ClinVar (database versions not stated): TOPMed below 0.00001.
gnomAD v4.1: 4 of 1,606,786 alleles (0.00025%); highest among the groups gnomAD compares: East Asian, 0.0022%; no homozygotes.

Submissions (2):

Color Diagnostics, LLC DBA Color Health
Classification: Uncertain significance for Cardiomyopathy. Last evaluated: 2025-06-29. Review status: criteria provided, single submitter. Criteria: ACMG Guidelines, 2015. Collection method: clinical testing. Allele origin: germline.
Comment: This missense variant replaces isoleucine with phenylalanine at codon 229 of the RYR2 protein. Computational prediction is inconclusive regarding the impact of this variant on protein structure and function. To our knowledge, functional studies have not been reported for this variant. This variant has not been reported in individuals affected with RYR2-related disorders in the literature. This variant has not been identified in the general population by the Genome Aggregation Database (gnomAD). The available evidence is insufficient to determine the role of this variant in disease conclusively. Therefore, this variant is classified as a Variant of Uncertain Significance.

Labcorp Genetics (formerly Invitae), Labcorp
Classification: Uncertain significance for Catecholaminergic polymorphic ventricular tachycardia 1. Last evaluated: 2022-06-13. Review status: criteria provided, single submitter. Criteria: Invitae Variant Classification Sherloc (09022015). Collection method: clinical testing. Allele origin: germline.
Comment: In summary, the available evidence is currently insufficient to determine the role of this variant in disease. Therefore, it has been classified as a Variant of Uncertain Significance. Advanced modeling of protein sequence and biophysical properties (such as structural, functional, and spatial information, amino acid conservation, physicochemical variation, residue mobility, and thermodynamic stability) performed at Invitae indicates that this missense variant is not expected to disrupt RYR2 protein function. ClinVar contains an entry for this variant (Variation ID: 1051706). This variant has not been reported in the literature in individuals affected with RYR2-related conditions. This variant is not present in population databases (gnomAD no frequency). This sequence change replaces isoleucine, which is neutral and non-polar, with phenylalanine, which is neutral and non-polar, at codon 229 of the RYR2 protein (p.Ile229Phe).

NM_001035.3(RYR2):c.685A>T (p.Ile229Phe)

Gene: RYR2 (ryanodine receptor 2; plus strand). Cytogenetic location: 1q43.
Variant type: single nucleotide variant.
Coding change: c.685A>T on transcript NM_001035.3 (MANE Select); coding-DNA position 685, A replaced by T.
Protein change: p.Ile229Phe; replaces isoleucine 229 with phenylalanine.
Molecular consequence: missense variant.
Genome position (GRCh38, 1-based): chr1:237,388,095, A>T. VCF-style: chr1-237388095-A-T. GRCh37 (hg19) VCF-style: chr1-237551395-A-T.
Other names: short protein forms I229F.
Identifiers: ClinVar variation 1051706 (VCV001051706.48), dbSNP rs368653489, ClinGen allele CA345378135.